The following is an entry in ClinVar:

NM_000377.3(WAS):c.559+1G>A

Gene: WAS (WASP actin nucleation promoting factor; plus strand). Cytogenetic location: Xp11.23.
Variant type: single nucleotide variant.
Coding change: c.559+1G>A on transcript NM_000377.3 (MANE Select); the canonical splice donor site of the intron after coding-DNA position 559, G replaced by A.
Molecular consequence: splice donor variant.
Genome position (GRCh38, 1-based): chrX:48,686,135, G>A. VCF-style: chrX-48686135-G-A. GRCh37 (hg19) VCF-style: chrX-48544524-G-A.
Other names: c.559+1G>A (NM_001438879.1, NM_001438877.1, NM_001438878.1 and 1 more transcripts).
Identifiers: ClinVar variation 4795136 (VCV004795136.1).
Genomic context (GRCh38, chrX:48,686,135, plus strand): 5'-TCCCAGAGAGAAGAGGAGGGCTCCCACCCCTGCCCCTGCATCCAGGTGGAGACCAAGGAG[G>A]TGCGTGCTGATTCTTCCCTGTGTCTCTGGATGGATGGGTAAGAGTGGATGGAGGAATGAG-3'

ClinVar aggregate classification (germline): Pathogenic (1 of 4 stars; one submission).

Conditions:
X-linked severe congenital neutropenia (SCNX). Identifiers: Orphanet 86788, MedGen C1845987, MONDO:0010294, OMIM 300299.

Submission:

MVZ Martinsried, Medicover Genetics
Classification: Pathogenic for X-linked severe congenital neutropenia. Last evaluated: 2025-08-12. Review status: criteria provided, single submitter. Criteria: ClinGen Variant Curation SOP V3.2 + Classification Guidance July2025. Collection method: clinical testing. Allele origin: inherited. Affected: no. Observed: 1 heterozygote.
Comment: PVS1_Strong, PS1, PM3, PM2_Supporting